The following is an entry in ClinVar:

ClinVar aggregate classification (germline): Uncertain significance (1 of 4 stars; one submission).

Conditions:
Bailey-Bloch congenital myopathy (CMYO13). Also called: Congenital myopathy 13; Native American myopathy; STAC3 disorder. Identifiers: Orphanet 168572, MedGen C1850625, MONDO:0009722, OMIM 255995.

Submission:

Labcorp Genetics (formerly Invitae), Labcorp
Classification: Uncertain significance for Bailey-Bloch congenital myopathy. Last evaluated: 2022-08-15. Review status: criteria provided, single submitter. Criteria: Invitae Variant Classification Sherloc (09022015). Collection method: clinical testing. Allele origin: germline.
Comment: A copy number gain of the genomic region encompassing the full coding sequence of the STAC3 gene has been identified. The boundaries of this event are unknown as they extend beyond the assayed region for this gene and therefore may encompass additional genes. As the precise location of this event is unknown, it may be in tandem or it may be located elsewhere in the genome. This variant has not been reported in the literature in individuals affected with STAC3-related conditions. In summary, the available evidence is currently insufficient to determine the role of this variant in disease. Therefore, it has been classified as a Variant of Uncertain Significance.

NC_000012.12:g.(?_57243443)_(57249646_?)dup

Gene: STAC3 (SH3 and cysteine rich domain 3; minus strand). Cytogenetic location: 12q13.3.
Variant type: Duplication.
Identifiers: ClinVar variation 832934 (VCV000832934.9).